The following is an entry in ClinVar:

NM_006623.4(PHGDH):c.772G>T (p.Ala258Ser)

Gene: PHGDH (phosphoglycerate dehydrogenase; plus strand). Cytogenetic location: 1p12.
Variant type: single nucleotide variant.
Coding change: c.772G>T on transcript NM_006623.4 (MANE Select); coding-DNA position 772, G replaced by T.
Protein change: p.Ala258Ser; replaces alanine 258 with serine.
Molecular consequence: missense variant.
Genome position (GRCh38, 1-based): chr1:119,735,423, G>T. VCF-style: chr1-119735423-G-T. GRCh37 (hg19) VCF-style: chr1-120278046-G-T.
Other names: short protein forms A258S.
Identifiers: ClinVar variation 1380474 (VCV001380474.5), dbSNP rs1375551954, ClinGen allele CA341850420.

ClinVar aggregate classification (germline): Uncertain significance (1 of 4 stars; one submission).

Conditions:
PHGDH deficiency. Identifiers: Orphanet 79351, MedGen C1866174, MONDO:0011152, OMIM 601815.

Allele frequency attached by ClinVar (database versions not stated): gnomAD 0.00001 and 0.00002; gnomAD exomes 0.00001 and 0.00002; TOPMed 0.00002.
gnomAD v4.1: 29 of 1,613,400 alleles (0.0018%); highest among the groups gnomAD compares: Non-Finnish European, 0.0025%; no homozygotes.

Submission:

Labcorp Genetics (formerly Invitae), Labcorp
Classification: Uncertain significance for PHGDH deficiency. Last evaluated: 2022-05-10. Review status: criteria provided, single submitter. Criteria: Invitae Variant Classification Sherloc (09022015). Collection method: clinical testing. Allele origin: germline.
Comment: This sequence change replaces alanine, which is neutral and non-polar, with serine, which is neutral and polar, at codon 258 of the PHGDH protein (p.Ala258Ser). The frequency data for this variant in the population databases is considered unreliable, as metrics indicate poor data quality at this position in the gnomAD database. This variant has not been reported in the literature in individuals affected with PHGDH-related conditions. Algorithms developed to predict the effect of missense changes on protein structure and function are either unavailable or do not agree on the potential impact of this missense change (SIFT: "Tolerated"; PolyPhen-2: "Possibly Damaging"; Align-GVGD: "Class C0"). In summary, the available evidence is currently insufficient to determine the role of this variant in disease. Therefore, it has been classified as a Variant of Uncertain Significance.